The following is an entry in ClinVar:

NM_001190274.2(FBXO11):c.2581C>T (p.Arg861Ter)

Genes: FBXO11 (F-box protein 11; minus strand), MSH6 (mutS homolog 6; plus strand). Cytogenetic location: 2p16.3.
Variant type: single nucleotide variant.
Coding change: c.2581C>T on transcript NM_001190274.2 (MANE Select); coding-DNA position 2581, C replaced by T.
Protein change: p.Arg861Ter; replaces arginine 861 with a stop codon.
Molecular consequence: nonsense. On other transcripts: intron variant (6).
Genome position (GRCh38, 1-based): chr2:47,808,402, G>A on the plus strand (C>T on the coding strand, the complement: FBXO11 is on the minus strand). VCF-style: chr2-47808402-G-A. GRCh37 (hg19) VCF-style: chr2-48035541-G-A.
Other names: NM_001374325.1:c.2329C>T; c.2329C>T, p.Arg777Ter (NM_001374325.1, NM_025133.4); c.*43+1499G>A (NM_001406809.1); c.*40+1502G>A (NM_001406796.1, NM_001406811.1, NM_001406805.1 and 2 more transcripts); short protein forms R777*, R861*.
Identifiers: ClinVar variation 4819488 (VCV004819488.1).

ClinVar aggregate classification (germline): Likely pathogenic (1 of 4 stars; one submission).

Conditions:
Intellectual developmental disorder with dysmorphic facies and behavioral abnormalities. Identifiers: MedGen C4748135, MONDO:0060760, OMIM 618089.

Submission:

Broad Center for Mendelian Genomics, Broad Institute of MIT and Harvard
Classification: Likely pathogenic for Intellectual developmental disorder with dysmorphic facies and behavioral abnormalities. Last evaluated: 2026-03-02. Review status: criteria provided, single submitter. Criteria: ACMG Guidelines, 2015. Collection method: research. Allele origin: germline. Inheritance: Autosomal dominant inheritance.
Comment: The p.Arg861Ter variant in FBXO11 has not been previously reported in the literature in individuals with intellectual developmental disorder with dysmorphic facies and behavioral abnormalities and was absent from large population studies. This nonsense variant leads to a premature termination codon at position 861, which is predicted to lead to a truncated or absent protein. Heterozygous loss of function of the FBXO11 gene is an established disease mechanism in intellectual developmental disorder with dysmorphic facies and behavioral abnormalities. In summary, although additional studies are required to fully establish its clinical significance, this variant is likely pathogenic for autosomal dominant intellectual developmental disorder with dysmorphic facies and behavioral abnormalities. ACMG/AMP Criteria applied: PVS1, PM2_supporting (Richards 2015).